The following is an entry in ClinVar:

ClinVar aggregate classification (germline): Uncertain significance. Review status: criteria provided, multiple submitters, no conflicts (2 of 4 stars). 2 submissions from 2 submitters: Uncertain significance (2). Last evaluated 2025-12-22.

Conditions:
EGFR-related lung cancer (EGFR). Identifiers: MedGen CN130014.
Hereditary cancer-predisposing syndrome. Also called: Neoplastic Syndromes, Hereditary; Tumor predisposition; Hereditary Cancer Syndrome; Hereditary neoplastic syndrome. Identifiers: Orphanet 140162, MedGen C0027672, MeSH D009386, MONDO:0015356.

Allele frequency attached by ClinVar (database versions not stated): TOPMed 0.00001; ESP Exome Variant Server 0.00008.

Submissions (2):

Labcorp Genetics (formerly Invitae), Labcorp
Classification: Uncertain significance for EGFR-related lung cancer. Last evaluated: 2025-12-22. Review status: criteria provided, single submitter. Criteria: Invitae Variant Classification Sherloc (09022015). Collection method: clinical testing. Allele origin: germline.
Comment: This sequence change replaces serine, which is neutral and polar, with leucine, which is neutral and non-polar, at codon 348 of the EGFR protein (p.Ser348Leu). This variant is not present in population databases (gnomAD no frequency). This variant has not been reported in the literature in individuals affected with EGFR-related conditions. ClinVar contains an entry for this variant (Variation ID: 2781065). An algorithm developed to predict the effect of missense changes on protein structure and function (PolyPhen-2) suggests that this variant is likely to be tolerated. In summary, the available evidence is currently insufficient to determine the role of this variant in disease. Therefore, it has been classified as a Variant of Uncertain Significance.

Ambry Genetics
Classification: Uncertain significance for Hereditary cancer-predisposing syndrome. Last evaluated: 2025-05-21. Review status: criteria provided, single submitter. Criteria: Ambry Variant Classification Scheme 2023. Collection method: clinical testing. Allele origin: germline.
Comment: The p.S348L variant (also known as c.1043C>T), located in coding exon 9 of the EGFR gene, results from a C to T substitution at nucleotide position 1043. The serine at codon 348 is replaced by leucine, an amino acid with dissimilar properties. This amino acid position is conserved. In addition, this alteration is predicted to be tolerated by in silico analysis. Based on the available evidence, the clinical significance of this variant remains unclear.

NM_005228.5(EGFR):c.1043C>T (p.Ser348Leu)

Genes: EGFR (epidermal growth factor receptor; plus strand), LOC126860048 (P300/CBP strongly-dependent group 1 enhancer GRCh37_chr7:55223847-55225046; plus strand). Cytogenetic location: 7p11.2.
Variant type: single nucleotide variant.
Coding change: c.1043C>T on transcript NM_005228.5 (MANE Select); coding-DNA position 1043, C replaced by T.
Protein change: p.Ser348Leu; replaces serine 348 with leucine.
Molecular consequence: missense variant.
Genome position (GRCh38, 1-based): chr7:55,156,569, C>T. VCF-style: chr7-55156569-C-T. GRCh37 (hg19) VCF-style: chr7-55224262-C-T.
Other names: c.908C>T, p.Ser303Leu (NM_001346897.2, NM_001346899.2); c.1043C>T, p.Ser348Leu (NM_001346898.2, NM_201282.2, NM_201283.2 and 1 more transcripts); c.884C>T, p.Ser295Leu (NM_001346900.2); c.242C>T, p.Ser81Leu (NM_001346941.2); short protein forms S295L, S81L, S303L, S348L.
Identifiers: ClinVar variation 2781065 (VCV002781065.4), dbSNP rs371234907, ClinGen allele CA158914201.